The following is an entry in ClinVar:

NM_018136.5(ASPM):c.7832G>A (p.Gly2611Asp)

Gene: ASPM (assembly factor for spindle microtubules; minus strand). Cytogenetic location: 1q31.3.
Variant type: single nucleotide variant.
Coding change: c.7832G>A on transcript NM_018136.5 (MANE Select); coding-DNA position 7832, G replaced by A.
Protein change: p.Gly2611Asp; replaces glycine 2611 with aspartic acid.
Molecular consequence: missense variant. On other transcripts: intron variant (1).
Genome position (GRCh38, 1-based): chr1:197,101,419, C>T on the plus strand (G>A on the coding strand, the complement: ASPM is on the minus strand). VCF-style: chr1-197101419-C-T. GRCh37 (hg19) VCF-style: chr1-197070549-C-T.
Other names: c.4066-5255G>A (NM_001206846.2); short protein forms G2611D.
Identifiers: ClinVar variation 1917093 (VCV001917093.7), dbSNP rs1657173758, ClinGen allele CA344015351.

ClinVar aggregate classification (germline): Uncertain significance. Review status: criteria provided, multiple submitters, no conflicts (2 of 4 stars). 3 submissions from 3 submitters: Uncertain significance (3). Last evaluated 2024-04-16.

Conditions:
ASPM-related disorder. Also called: ASPM-related condition.
Microcephaly 5, primary, autosomal recessive (MCPH5). Also called: ASPM Primary Microcephaly. Identifiers: Orphanet 2512, MedGen C1837501, MONDO:0012106, OMIM 608716.

gnomAD v4.1: 6 of 1,608,400 alleles (0.00037%); highest among the groups gnomAD compares: African/African-American, 0.004%; no homozygotes.

Submissions (3):

Labcorp Genetics (formerly Invitae), Labcorp
Classification: Uncertain significance. Last evaluated: 2024-04-16. Review status: criteria provided, single submitter. Criteria: Invitae Variant Classification Sherloc (09022015). Collection method: clinical testing. Allele origin: germline.
Comment: This sequence change replaces glycine, which is neutral and non-polar, with aspartic acid, which is acidic and polar, at codon 2611 of the ASPM protein (p.Gly2611Asp). This variant is not present in population databases (gnomAD no frequency). This variant has not been reported in the literature in individuals affected with ASPM-related conditions. ClinVar contains an entry for this variant (Variation ID: 1917093). Advanced modeling of protein sequence and biophysical properties (such as structural, functional, and spatial information, amino acid conservation, physicochemical variation, residue mobility, and thermodynamic stability) performed at Invitae indicates that this missense variant is not expected to disrupt ASPM protein function with a negative predictive value of 80%. In summary, the available evidence is currently insufficient to determine the role of this variant in disease. Therefore, it has been classified as a Variant of Uncertain Significance.

PreventionGenetics, part of Exact Sciences
Classification: Uncertain significance for ASPM-related condition. Last evaluated: 2023-06-29. Review status: criteria provided, single submitter. Criteria: ACMG Guidelines, 2015. Collection method: clinical testing. Allele origin: germline.
Comment: The ASPM c.7832G>A variant is predicted to result in the amino acid substitution p.Gly2611Asp. To our knowledge, this variant has not been reported in the literature or in a large population database, indicating this variant is rare. At this time, the clinical significance of this variant is uncertain due to the absence of conclusive functional and genetic evidence.

Genome-Nilou Lab
Classification: Uncertain significance for Microcephaly 5, primary, autosomal recessive. Last evaluated: 2023-04-11. Review status: criteria provided, single submitter. Criteria: ACMG Guidelines, 2015. Collection method: clinical testing. Allele origin: germline. Affected: no.